The following is an entry in ClinVar:

ClinVar aggregate classification (germline): Likely benign. Review status: criteria provided, multiple submitters, no conflicts (2 of 4 stars). 2 submissions from 2 submitters: Likely benign (2). Last evaluated 2025-11-27.

Conditions:
Pyridoxal phosphate-responsive seizures (PNPOD). Also called: Pyridoxine-5'-phosphate oxidase deficiency; EPILEPTIC ENCEPHALOPATHY, NEONATAL, PNPO-RELATED; SEIZURES, PYRIDOXINE-RESISTANT, PLP-SENSITIVE; Pyridoxal 5'-Phosphate (PLP)-Dependent Epilepsy; Pyridoxamine 5-Prime-Phosphate Oxidase Deficiency. Identifiers: Orphanet 79096, MedGen C1864723, MONDO:0012407, OMIM 610090. Disease mechanism: loss of function.

Allele frequency attached by ClinVar (database versions not stated): gnomAD exomes below 0.00001; gnomAD 0.00001.
gnomAD v4.1: 4 of 1,613,420 alleles (0.00025%); highest among the groups gnomAD compares: African/African-American, 0.0013%; no homozygotes.

Submissions (2):

Labcorp Genetics (formerly Invitae), Labcorp
Classification: Likely benign for Pyridoxal phosphate-responsive seizures. Last evaluated: 2025-11-27. Review status: criteria provided, single submitter. Criteria: Invitae Variant Classification Sherloc (09022015). Collection method: clinical testing. Allele origin: germline.

GeneDx
Classification: Likely benign. Last evaluated: 2017-09-27. Review status: criteria provided, single submitter. Criteria: GeneDx Variant Classification (06012015). Collection method: clinical testing. Allele origin: germline. Affected: yes.
Comment: This variant is considered likely benign or benign based on one or more of the following criteria: it is a conservative change, it occurs at a poorly conserved position in the protein, it is predicted to be benign by multiple in silico algorithms, and/or has population frequency not consistent with disease.

NM_018129.4(PNPO):c.393C>T (p.Phe131=)

Gene: PNPO (pyridoxamine 5'-phosphate oxidase; plus strand). Cytogenetic location: 17q21.32.
Variant type: single nucleotide variant.
Coding change: c.393C>T on transcript NM_018129.4 (MANE Select); coding-DNA position 393, C replaced by T.
Protein change: p.Phe131=; no amino-acid change (phenylalanine 131 retained).
Molecular consequence: synonymous variant.
Genome position (GRCh38, 1-based): chr17:47,945,588, C>T. VCF-style: chr17-47945588-C-T. GRCh37 (hg19) VCF-style: chr17-46022954-C-T.
Identifiers: ClinVar variation 512326 (VCV000512326.9), dbSNP rs1389481167, ClinGen allele CA500452466.